The following is an entry in ClinVar:

ClinVar aggregate classification (germline): Uncertain significance (1 of 4 stars; one submission).

Allele frequency attached by ClinVar (database versions not stated): gnomAD exomes below 0.00001.
gnomAD v4.1: 2 of 1,613,020 alleles (0.00012%); highest among the groups gnomAD compares: Non-Finnish European, 0.00017%; no homozygotes.

Submission:

ARUP Laboratories, Molecular Genetics and Genomics, ARUP Laboratories
Classification: Uncertain significance. Last evaluated: 2022-04-15. Review status: criteria provided, single submitter. Criteria: ARUP Molecular Germline Variant Investigation Process 2021. Collection method: clinical testing. Allele origin: germline.
Comment: The TTN c.20402T>A; p.Leu6801His is rare in the general population (<0.2% allele frequency in the Genome Aggregation Database) and has not been reported in the medical literature in association with dilated cardiomyopathy (DCM) or other TTN-related disease. The clinical relevance of rare missense variants in this gene, which are identified on average once per individual sequenced in affected populations (Herman 2012), is not well understood. Yet, evidence suggests that the vast majority of such missense variants do not contribute to the clinical outcome of DCM (Begay 2015). Thus, the clinical significance of the p.Leu6801His variant cannot be determined with certainty.

NM_001267550.2(TTN):c.20402T>A (p.Leu6801His)

Gene: TTN (titin; minus strand). Cytogenetic location: 2q31.2.
Variant type: single nucleotide variant.
Coding change: c.20402T>A on transcript NM_001267550.2 (MANE Select); coding-DNA position 20402, T replaced by A.
Protein change: p.Leu6801His; replaces leucine 6801 with histidine.
Molecular consequence: missense variant. On other transcripts: intron variant (3).
Genome position (GRCh38, 1-based): chr2:178,725,920, A>T on the plus strand (T>A on the coding strand, the complement: TTN is on the minus strand). VCF-style: chr2-178725920-A-T. GRCh37 (hg19) VCF-style: chr2-179590647-A-T.
Other names: c.19451T>A, p.Leu6484His (NM_001256850.1); c.16670T>A, p.Leu5557His (NM_133378.4); c.13282+12162T>A (NM_003319.4); c.13858+12162T>A (NM_133437.4); c.13657+12162T>A (NM_133432.3); short protein forms L5557H, L6484H, L6801H.
Identifiers: ClinVar variation 2428574 (VCV002428574.3), dbSNP rs2529710735, ClinGen allele CA349544930.
Genomic context (GRCh38, chr2:178,725,920, plus strand): 5'-AGAATGTGAATACTTGTGTGGAAGTTTTTGGATGCAATCTTGTATTTCTTGCTGCTTCTG[A>T]GTTGCCGCTTGTCTTTGTACCATACCACCTCAAACGGTGGTGTTCCCGAAAGTTCACATT-3'
Protein context (NP_001254479.2, residues 6791-6811): EVVWYKDKRQ[Leu6801His]RSSKKYKIAS